The following is an entry in ClinVar:

NM_012275.3(IL36RN):c.245C>T (p.Pro82Leu)

Gene: IL36RN (interleukin 36 receptor antagonist; plus strand). Cytogenetic location: 2q14.1.
Variant type: single nucleotide variant.
Coding change: c.245C>T on transcript NM_012275.3 (MANE Select); coding-DNA position 245, C replaced by T.
Protein change: p.Pro82Leu; replaces proline 82 with leucine.
Molecular consequence: missense variant.
Genome position (GRCh38, 1-based): chr2:113,062,454, C>T. VCF-style: chr2-113062454-C-T. GRCh37 (hg19) VCF-style: chr2-113820031-C-T.
Other names: c.245C>T, p.Pro82Leu (NM_173170.1); short protein forms P82L.
Identifiers: ClinVar variation 732231 (VCV000732231.17), dbSNP rs144182857, ClinGen allele CA1838421.

ClinVar aggregate classification (germline): Conflicting classifications of pathogenicity. Review status: criteria provided, conflicting classifications (1 of 4 stars). 3 submissions from 3 submitters: Uncertain significance (1); Benign (1); Likely benign (1). Last evaluated 2025-11-03.

Conditions:
Generalized pustular psoriasis. Identifiers: Orphanet 247353, MedGen C0343055, MONDO:0100491.
Autoinflammatory syndrome. Identifiers: Orphanet 93665, MedGen C3890737, MONDO:0019751.

Allele frequency attached by ClinVar (database versions not stated): gnomAD 0.00006 and 0.00021; TOPMed 0.00008; gnomAD exomes 0.00029 and 0.00047; ExAC 0.00035; 1000 Genomes Project 30x 0.00109; 1000 Genomes Project 0.00140.
gnomAD v4.1: 697 of 1,614,098 alleles (0.043%); highest among the groups gnomAD compares: East Asian, 1.5%; 10 homozygotes.

Submissions (3):

Labcorp Genetics (formerly Invitae), Labcorp
Classification: Likely benign for Generalized pustular psoriasis. Last evaluated: 2025-11-03. Review status: criteria provided, single submitter. Criteria: Invitae Variant Classification Sherloc (09022015). Collection method: clinical testing. Allele origin: germline.

Genome Diagnostics Laboratory, The Hospital for Sick Children
Classification: Uncertain significance for Autoinflammatory syndrome. Last evaluated: 2022-02-25. Review status: criteria provided, single submitter. Criteria: ACMG Guidelines, 2015. Collection method: clinical testing. Allele origin: germline. Affected: yes.

Illumina Laboratory Services, Illumina
Classification: Benign for Acrodermatitis continua suppurativa of Hallopeau. Last evaluated: 2017-04-27. Review status: criteria provided, single submitter. Criteria: ICSL Variant Classification Criteria 13 December 2019. Collection method: clinical testing. Allele origin: germline.
Comment: This variant was observed as part of a predisposition screen in an ostensibly healthy population. A literature search was performed for the gene, cDNA change, and amino acid change (where applicable). Publications were found based on this search. The evidence from the literature, in combination with allele frequency data from public databases where available, was sufficient to rule this variant out of causing disease. Therefore, this variant is classified as benign.

Literature cited by the submitters: PubMed 25212972 (cited by Illumina Laboratory Services, Illumina).